The following is an entry in ClinVar:

ClinVar aggregate classification (germline): Uncertain significance (1 of 4 stars; one submission).

gnomAD v4.1: 1 of 1,612,894 alleles (0.000062%); highest among the groups gnomAD compares: East Asian, 0.0022%; no homozygotes.

Submission:

Labcorp Genetics (formerly Invitae), Labcorp
Classification: Uncertain significance. Last evaluated: 2025-11-22. Review status: criteria provided, single submitter. Criteria: Invitae Variant Classification Sherloc (09022015). Collection method: clinical testing. Allele origin: germline.
Comment: This sequence change replaces arginine, which is basic and polar, with threonine, which is neutral and polar, at codon 1214 of the ALPK3 protein (p.Arg1214Thr). This variant is not present in population databases (gnomAD no frequency). This variant has not been reported in the literature in individuals affected with ALPK3-related conditions. Invitae Evidence Modeling of protein sequence and biophysical properties (such as structural, functional, and spatial information, amino acid conservation, physicochemical variation, residue mobility, and thermodynamic stability) indicates that this missense variant is expected to disrupt ALPK3 protein function with a positive predictive value of 80%. In summary, the available evidence is currently insufficient to determine the role of this variant in disease. Therefore, it has been classified as a Variant of Uncertain Significance.

NM_020778.5(ALPK3):c.3035G>C (p.Arg1012Thr)

Gene: ALPK3 (alpha kinase 3; plus strand). Cytogenetic location: 15q25.3.
Variant type: single nucleotide variant.
Coding change: c.3035G>C on transcript NM_020778.5 (MANE Select); coding-DNA position 3035, G replaced by C.
Protein change: p.Arg1012Thr; replaces arginine 1012 with threonine.
Molecular consequence: missense variant.
Genome position (GRCh38, 1-based): chr15:84,857,773, G>C. VCF-style: chr15-84857773-G-C. GRCh37 (hg19) VCF-style: chr15-85401004-G-C.
Other names: short protein forms R1012T.
Identifiers: ClinVar variation 4776486 (VCV004776486.1).
Genomic context (GRCh38, chr15:84,857,773, plus strand): 5'-TGCCCTCAGCCACTCTGACACCCACTGTGGAAGTGGCTGGGCTTAGTCCCCGGACATCGA[G>C]GCGCATCCTGGAGCGTGTGGAGAACAACCACCTGGTGCAGAGTGCACAGACCCTGCTGCT-3'
Protein context (NP_065829.4, residues 1002-1022): EVAGLSPRTS[Arg1012Thr]RILERVENNH